The following is an entry in ClinVar:

ClinVar aggregate classification (germline): Conflicting classifications of pathogenicity. Review status: criteria provided, conflicting classifications (1 of 4 stars). 7 submissions from 6 submitters: Uncertain significance (6); Benign (1). Last evaluated 2026-09-24.

Conditions:
Adams-Oliver syndrome 5 (AOS5). Identifiers: Orphanet 974, MedGen C4014970, MONDO:0014459, OMIM 616028.
Familial thoracic aortic aneurysm and aortic dissection (TAAD). Also called: Thoracic aortic aneurysms and dissections. Identifiers: Orphanet 91387, MedGen C4707243, MONDO:0019625.
Aortic valve disease 1 (AOVD1). Identifiers: MedGen C3887892, MONDO:0024523, OMIM 109730.

Allele frequency attached by ClinVar (database versions not stated): ExAC 0.00007; gnomAD exomes 0.00007; TOPMed 0.00008; ESP Exome Variant Server 0.00015; gnomAD 0.00006.
gnomAD v4.1: 207 of 1,609,512 alleles (0.013%); highest among the groups gnomAD compares: Non-Finnish European, 0.016%; no homozygotes.

Submissions (7):

GeneDx
Classification: Uncertain significance. Last evaluated: 2026-09-24. Review status: criteria provided, single submitter. Criteria: GeneDx Variant Classification Process June 2021. Collection method: clinical testing. Allele origin: germline.
Comment: Identified in a patient with sporadic bicuspid aortic valve in published literature (PMID: 35288444); In silico analysis supports that this missense variant has a deleterious effect on protein structure/function; This variant is associated with the following publications: (PMID: 35288444)

Labcorp Genetics (formerly Invitae), Labcorp
Classification: Benign for Adams-Oliver syndrome 5. Last evaluated: 2025-12-28. Review status: criteria provided, single submitter. Criteria: Invitae Variant Classification Sherloc (09022015). Collection method: clinical testing. Allele origin: germline.

Ambry Genetics
Classification: Uncertain significance for Familial thoracic aortic aneurysm and aortic dissection. Last evaluated: 2025-12-16. Review status: criteria provided, single submitter. Criteria: Ambry Variant Classification Scheme 2023. Collection method: clinical testing. Allele origin: germline.
Comment: The p.R1926C variant (also known as c.5776C>T), located in coding exon 31 of the NOTCH1 gene, results from a C to T substitution at nucleotide position 5776. The arginine at codon 1926 is replaced by cysteine, an amino acid with highly dissimilar properties. This amino acid position is highly conserved in available vertebrate species. In addition, the in silico prediction for this alteration is inconclusive. Based on the available evidence, the clinical significance of this variant remains unclear.

Dasa
Classification: Uncertain significance for Aortic valve disease 1. Last evaluated: 2025-07-19. Review status: criteria provided, single submitter. Criteria: DASA Assertion Criteria. Collection method: clinical testing. Allele origin: germline.
Comment: NM_017617.5(NOTCH1):c.5776C>T (p.Arg1926Cys) is a missense variant that results in the substitution of arginine with cysteine. This variant is rare in population databases. The currently available literature and clinical evidence are not sufficient to establish a definitive association between this variant and the reported condition. Therefore, this variant is classified as a variant of uncertain significance.

Clinical Genetics Laboratory, Skane University Hospital Lund
Classification: Uncertain significance. Last evaluated: 2023-03-21. Review status: criteria provided, single submitter. Criteria: ACMG Guidelines, 2015. Collection method: clinical testing. Allele origin: germline. Affected: yes.

Genome-Nilou Lab
Classification: Uncertain significance for Adams-Oliver syndrome 5. Last evaluated: 2022-03-15. Review status: criteria provided, single submitter. Criteria: ACMG Guidelines, 2015. Collection method: clinical testing. Allele origin: germline. Affected: no.

Genome-Nilou Lab
Classification: Uncertain significance for Aortic valve disease 1. Last evaluated: 2022-03-15. Review status: criteria provided, single submitter. Criteria: ACMG Guidelines, 2015. Collection method: clinical testing. Allele origin: germline. Affected: no.

NM_017617.5(NOTCH1):c.5776C>T (p.Arg1926Cys)

Gene: NOTCH1 (notch receptor 1; minus strand). Cytogenetic location: 9q34.3.
Variant type: single nucleotide variant.
Coding change: c.5776C>T on transcript NM_017617.5 (MANE Select); coding-DNA position 5776, C replaced by T.
Protein change: p.Arg1926Cys; replaces arginine 1926 with cysteine.
Molecular consequence: missense variant.
Genome position (GRCh38, 1-based): chr9:136,500,710, G>A on the plus strand (C>T on the coding strand, the complement: NOTCH1 is on the minus strand). VCF-style: chr9-136500710-G-A. GRCh37 (hg19) VCF-style: chr9-139395162-G-A.
Other names: c.5776C>T, p.Arg1926Cys (LRG_1122t1); short protein forms R1926C.
Identifiers: ClinVar variation 264419 (VCV000264419.24), dbSNP rs199652954, ClinGen allele CA5340132.